The following is an entry in ClinVar:

NM_001164508.2(NEB):c.17496C>T (p.Ser5832=)

Gene: NEB (nebulin; minus strand). Cytogenetic location: 2q23.3.
Variant type: single nucleotide variant.
Coding change: c.17496C>T on transcript NM_001164508.2 (MANE Select); coding-DNA position 17496, C replaced by T.
Protein change: p.Ser5832=; no amino-acid change (serine 5832 retained).
Molecular consequence: synonymous variant.
Genome position (GRCh38, 1-based): chr2:151,569,307, G>A on the plus strand (C>T on the coding strand, the complement: NEB is on the minus strand). VCF-style: chr2-151569307-G-A. GRCh37 (hg19) VCF-style: chr2-152425821-G-A.
Other names: c.17496C>T, p.Ser5832= (NM_001164507.2, NM_001271208.2); c.12393C>T, p.Ser4131= (NM_004543.5).
Identifiers: ClinVar variation 1153580 (VCV001153580.39), dbSNP rs746291431, ClinGen allele CA1908200.

ClinVar aggregate classification (germline): Likely benign. Review status: criteria provided, multiple submitters, no conflicts (2 of 4 stars). 2 submissions from 2 submitters: Likely benign (2). Last evaluated 2025-03-01.

Conditions:
Nemaline myopathy 2 (NEM2). Also called: Nemaline myopathy 2, autosomal recessive. Identifiers: MedGen C1850569, MONDO:0009725, OMIM 256030.

Allele frequency attached by ClinVar (database versions not stated): ExAC 0.00001; gnomAD exomes 0.00002; gnomAD 0.00003 and 0.00004; TOPMed 0.00004.
gnomAD v4.1: 37 of 1,613,726 alleles (0.0023%); highest among the groups gnomAD compares: Admixed American, 0.0067%; no homozygotes.

Submissions (2):

Labcorp Genetics (formerly Invitae), Labcorp
Classification: Likely benign for Nemaline myopathy 2. Last evaluated: 2025-03-01. Review status: criteria provided, single submitter. Criteria: Invitae Variant Classification Sherloc (09022015). Collection method: clinical testing. Allele origin: germline.

CeGaT Center for Human Genetics Tuebingen
Classification: Likely benign. Last evaluated: 2022-06-01. Review status: criteria provided, single submitter. Criteria: CeGaT Center For Human Genetics Tuebingen Variant Classification Criteria Version 2. Collection method: clinical testing. Allele origin: germline. Affected: yes. Observed: 1 variant allele.
Comment: NEB: BP4, BP7